The following is an entry in ClinVar:

NM_000053.4(ATP7B):c.1911C>A (p.Asn637Lys)

Gene: ATP7B (ATPase copper transporting beta; minus strand). Cytogenetic location: 13q14.3.
Variant type: single nucleotide variant.
Coding change: c.1911C>A on transcript NM_000053.4 (MANE Select); coding-DNA position 1911, C replaced by A.
Protein change: p.Asn637Lys; replaces asparagine 637 with lysine.
Molecular consequence: missense variant. On other transcripts: intron variant (13).
Genome position (GRCh38, 1-based): chr13:51,961,872, G>T on the plus strand (C>A on the coding strand, the complement: ATP7B is on the minus strand). VCF-style: chr13-51961872-G-T. GRCh37 (hg19) VCF-style: chr13-52536008-G-T.
Other names: c.1911C>A, p.Asn637Lys (NM_001406522.1, NM_001406523.1, NM_001406525.1 and 16 more transcripts); c.1878C>A, p.Asn626Lys (NM_001406524.1, NM_001406514.1); c.1815C>A, p.Asn605Lys (NM_001406530.1, NM_001406517.1, NM_001406518.1 and 1 more transcripts); c.1578C>A, p.Asn526Lys (NM_001243182.2); c.1482C>A, p.Asn494Lys (NM_001406539.1); c.1869+3000C>A (NM_001406541.1, NM_001406531.1, NM_001406532.1 and 5 more transcripts); c.1773+3000C>A (NM_001406543.1, NM_001406544.1); c.1286-11711C>A (NM_001406548.1); and 1 more; short protein forms N494K, N526K, N605K, N626K, N637K.
Identifiers: ClinVar variation 3075177 (VCV003075177.1), dbSNP rs770640457, ClinGen allele CA6989177.

ClinVar aggregate classification (germline): Uncertain significance (1 of 4 stars; one submission).

Conditions:
Wilson disease (WND). Also called: Wilson's disease. Identifiers: Orphanet 905, MedGen C0019202, MONDO:0010200, OMIM 277900. Disease mechanism: loss of function.

gnomAD v4.1: 1 of 1,613,970 alleles (0.000062%); highest among the groups gnomAD compares: Non-Finnish European, 0.000085%; no homozygotes.

Submission:

All of Us Research Program, National Institutes of Health
Classification: Uncertain significance for Wilson disease. Last evaluated: 2023-12-18. Review status: criteria provided, single submitter. Criteria: ACMG Guidelines, 2015. Collection method: clinical testing. Allele origin: germline. Inheritance: Autosomal recessive inheritance. Observed: 1 variant allele, 1 heterozygote.
Comment: This missense variant replaces asparagine with lysine at codon 637 of the ATP7B protein. Computational prediction suggests that this variant may not impact protein structure and function (internally defined REVEL score threshold <= 0.5, PMID: 27666373). To our knowledge, functional studies have not been reported for this variant. This variant has not been reported in individuals affected with ATP7B-related disorders in the literature. This variant has been identified in 1/249584 chromosomes in the general population by the Genome Aggregation Database (gnomAD). The available evidence is insufficient to determine the role of this variant in disease conclusively. Therefore, this variant is classified as a Variant of Uncertain Significance.

This study involves interpretation of variants in research participants for the purpose of population health screening. Participant phenotype was not available at the time of variant classification. Additional details can be found in publication PMID: 35346344, PMCID: PMC8962531